The following is an entry in ClinVar:

NM_000489.6(ATRX):c.5427G>T (p.Glu1809Asp)

Gene: ATRX (ATRX chromatin remodeler; minus strand). Cytogenetic location: Xq21.1.
Variant type: single nucleotide variant.
Coding change: c.5427G>T on transcript NM_000489.6 (MANE Select); coding-DNA position 5427, G replaced by T.
Protein change: p.Glu1809Asp; replaces glutamic acid 1809 with aspartic acid.
Molecular consequence: missense variant.
Genome position (GRCh38, 1-based): chrX:77,618,827, C>A on the plus strand (G>T on the coding strand, the complement: ATRX is on the minus strand). VCF-style: chrX-77618827-C-A. GRCh37 (hg19) VCF-style: chrX-76874295-C-A.
Other names: c.5313G>T, p.Glu1771Asp (NM_138270.5); short protein forms E1771D, E1809D.
Identifiers: ClinVar variation 5007600 (VCV005007600.2).

ClinVar aggregate classification (germline): Uncertain significance (1 of 4 stars; one submission).

Conditions:
Acquired hemoglobin H disease (ATMDS). Also called: Alpha-thalassemia myelodysplasia syndrome; Alpha-thalassemia myelodysplasia syndrome, somatic; Alpha-thalassemia-myelodysplastic syndrome. Identifiers: Orphanet 231401, MedGen C0585216, MONDO:0010328, OMIM 300448.
Alpha thalassemia-X-linked intellectual disability syndrome (ATRX). Also called: ALPHA-THALASSEMIA/MENTAL RETARDATION SYNDROME, X-LINKED; ATR, NONDELETION TYPE; ATR-X syndrome; Alpha thalassemia mental retardation syndrome, nondeletion type, X-linked; XLMR hypotonic face syndrome; X-linked alpha-thalassemia-mental retardation syndrome. Identifiers: Orphanet 847, MedGen C1845055, MONDO:0010519, OMIM 301040.
Intellectual disability-hypotonic facies syndrome, X-linked, 1 (MRXHF1). Also called: Carpenter-Waziri syndrome; HOLMES-GANG SYNDROME; XLMR-HYPOTONIC FACIES SYNDROME; Smith Fineman Myers syndrome 1; X-linked intellectual disability-hypotonic face syndrome; CHUDLEY-LOWRY SYNDROME. Identifiers: Orphanet 73220, Orphanet 93970, Orphanet 93971, Orphanet 93972, Orphanet 93973, Orphanet 93974, Orphanet 93975, MedGen C4759781, MONDO:0010663, OMIM 309580.

Submission:

Juno Genomics, Hangzhou Juno Genomics, Inc
Classification: Uncertain significance for Alpha thalassemia-X-linked intellectual disability syndrome; Acquired hemoglobin H disease; Intellectual disability-hypotonic facies syndrome, X-linked, 1. Review status: criteria provided, single submitter. Criteria: ACMG Guidelines, 2015. Collection method: clinical testing. Allele origin: germline.
Comment: Absent from controls (or at extremely low frequency if recessive) in Genome Aggregation Database.